The following is an entry in ClinVar:

ClinVar aggregate classification (germline): Uncertain significance (1 of 4 stars; one submission).

Conditions:
Charcot-Marie-Tooth disease type 4. Also called: Charcot-Marie-Tooth disease, type IV; Charcot-Marie-Tooth, Type 4. Identifiers: Orphanet 64749, MedGen C4082197, MONDO:0018995.

Allele frequency attached by ClinVar (database versions not stated): gnomAD exomes below 0.00001.
gnomAD v4.1: 1 of 1,600,942 alleles (0.000062%); highest among the groups gnomAD compares: Non-Finnish European, 0.000086%; no homozygotes.

Submission:

Labcorp Genetics (formerly Invitae), Labcorp
Classification: Uncertain significance for Charcot-Marie-Tooth disease type 4. Last evaluated: 2022-03-12. Review status: criteria provided, single submitter. Criteria: Invitae Variant Classification Sherloc (09022015). Collection method: clinical testing. Allele origin: germline.
Comment: This sequence change replaces aspartic acid, which is acidic and polar, with valine, which is neutral and non-polar, at codon 296 of the SBF2 protein (p.Asp296Val). This variant is not present in population databases (gnomAD no frequency). This variant has not been reported in the literature in individuals affected with SBF2-related conditions. Algorithms developed to predict the effect of missense changes on protein structure and function are either unavailable or do not agree on the potential impact of this missense change (SIFT: "Deleterious"; PolyPhen-2: "Probably Damaging"; Align-GVGD: "Class C15"). In summary, the available evidence is currently insufficient to determine the role of this variant in disease. Therefore, it has been classified as a Variant of Uncertain Significance.

NM_030962.4(SBF2):c.887A>T (p.Asp296Val)

Gene: SBF2 (SET binding factor 2; minus strand). Cytogenetic location: 11p15.4.
Variant type: single nucleotide variant.
Coding change: c.887A>T on transcript NM_030962.4 (MANE Select); coding-DNA position 887, A replaced by T.
Protein change: p.Asp296Val; replaces aspartic acid 296 with valine.
Molecular consequence: missense variant.
Genome position (GRCh38, 1-based): chr11:9,998,354, T>A on the plus strand (A>T on the coding strand, the complement: SBF2 is on the minus strand). VCF-style: chr11-9998354-T-A. GRCh37 (hg19) VCF-style: chr11-10019901-T-A.
Other names: c.887A>T, p.Asp296Val (NM_001386339.1, NM_001386342.1); short protein forms D296V.
Identifiers: ClinVar variation 2108723 (VCV002108723.4), dbSNP rs2496158502, ClinGen allele CA379640104.